The following is an entry in ClinVar:

NM_014324.6(AMACR):c.9G>T (p.Leu3=)

Genes: AMACR (alpha-methylacyl-CoA racemase; minus strand), C1QTNF3-AMACR (C1QTNF3-AMACR readthrough (NMD candidate); minus strand). Cytogenetic location: 5p13.2.
Variant type: single nucleotide variant.
Coding change: c.9G>T on transcript NM_014324.6 (MANE Select); coding-DNA position 9, G replaced by T.
Protein change: p.Leu3=; no amino-acid change (leucine 3 retained).
Molecular consequence: synonymous variant.
Genome position (GRCh38, 1-based): chr5:34,008,011, C>A on the plus strand (G>T on the coding strand, the complement: AMACR is on the minus strand). VCF-style: chr5-34008011-C-A. GRCh37 (hg19) VCF-style: chr5-34008116-C-A.
Other names: c.9G>T, p.Leu3= (NM_001167595.2, NM_203382.3).
Identifiers: ClinVar variation 3052419 (VCV003052419.2), dbSNP rs980047188, ClinGen allele CA116872941.

ClinVar aggregate classification (germline): Likely benign (0 of 4 stars; one submission).

Conditions:
AMACR-related disorder. Also called: AMACR-related condition; AMACR-Related Disorders.

Submission:

PreventionGenetics, part of Exact Sciences
Classification: Likely benign for AMACR-related condition. Last evaluated: 2023-06-11. Review status: no assertion criteria provided. Collection method: clinical testing. Allele origin: germline.
Comment: This variant is classified as likely benign based on ACMG/AMP sequence variant interpretation guidelines (Richards et al. 2015 PMID: 25741868, with internal and published modifications).